The following is an entry in ClinVar:

ClinVar aggregate classification (germline): Uncertain significance (1 of 4 stars; one submission).

Conditions:
Sulfite oxidase deficiency. Also called: Isolated sulfite oxidase deficiency. Identifiers: Orphanet 833, Orphanet 99731, MedGen C0268624, MONDO:0010089, OMIM 272300, HP:0003643.

Allele frequency attached by ClinVar (database versions not stated): gnomAD exomes below 0.00001; gnomAD 0.00001; TOPMed 0.00002.
gnomAD v4.1: 3 of 1,614,048 alleles (0.00019%); highest among the groups gnomAD compares: Non-Finnish European, 0.00025%; no homozygotes.

Submission:

Labcorp Genetics (formerly Invitae), Labcorp
Classification: Uncertain significance for Sulfite oxidase deficiency. Last evaluated: 2024-02-17. Review status: criteria provided, single submitter. Criteria: Invitae Variant Classification Sherloc (09022015). Collection method: clinical testing. Allele origin: germline.
Comment: This sequence change replaces glutamine, which is neutral and polar, with proline, which is neutral and non-polar, at codon 501 of the SUOX protein (p.Gln501Pro). This variant is not present in population databases (gnomAD no frequency). This variant has not been reported in the literature in individuals affected with SUOX-related conditions. ClinVar contains an entry for this variant (Variation ID: 1439151). Advanced modeling of protein sequence and biophysical properties (such as structural, functional, and spatial information, amino acid conservation, physicochemical variation, residue mobility, and thermodynamic stability) performed at Invitae indicates that this missense variant is not expected to disrupt SUOX protein function with a negative predictive value of 80%. In summary, the available evidence is currently insufficient to determine the role of this variant in disease. Therefore, it has been classified as a Variant of Uncertain Significance.

NM_001032386.2(SUOX):c.1502A>C (p.Gln501Pro)

Gene: SUOX (sulfite oxidase; plus strand). Cytogenetic location: 12q13.2.
Variant type: single nucleotide variant.
Coding change: c.1502A>C on transcript NM_001032386.2 (MANE Select); coding-DNA position 1502, A replaced by C.
Protein change: p.Gln501Pro; replaces glutamine 501 with proline.
Molecular consequence: missense variant.
Genome position (GRCh38, 1-based): chr12:56,004,891, A>C. VCF-style: chr12-56004891-A-C. GRCh37 (hg19) VCF-style: chr12-56398675-A-C.
Other names: c.1502A>C, p.Gln501Pro (NM_000456.3, NM_001032387.2); short protein forms Q501P.
Identifiers: ClinVar variation 1439151 (VCV001439151.8), dbSNP rs1268416176, ClinGen allele CA385297477.